The following is an entry in ClinVar:

NM_004727.3(SLC24A1):c.1613_1614del (p.Phe538fs)

Gene: SLC24A1 (solute carrier family 24 member 1; plus strand). Cytogenetic location: 15q22.31.
Variant type: Deletion.
Coding change: c.1613_1614del on transcript NM_004727.3 (MANE Select); coding-DNA positions 1613 to 1614, 2 bases deleted (TT; older notation c.1613_1614delTT).
Protein change: p.Phe538fs; shifts the reading frame from phenylalanine 538.
Molecular consequence: frameshift variant.
Genome position (GRCh38, 1-based): chr15:65,625,693-65,625,694, TT deleted; deleting any 2 consecutive bases within chr15:65,625,692-65,625,694 gives the same sequence; the c. name uses the placement nearest the transcript's 3' end. VCF-style (leftmost placement, unchanged base first): chr15-65625691-CTT-C. GRCh37 (hg19) VCF-style: chr15-65918029-CTT-C.
Other names: c.1613_1614del, p.Phe538fs (NM_001301031.1, NM_001301032.1, NM_001301033.2); short protein forms F538fs.
Identifiers: ClinVar variation 30373 (VCV000030373.2), dbSNP rs767508005, ClinGen allele CA7619941.

ClinVar aggregate classification (germline): Likely pathogenic. Review status: criteria provided, single submitter (1 of 4 stars). 2 submissions from 2 submitters: Likely pathogenic (1). 1 of the submissions does not count toward it. Last evaluated 2025-02-05.

Conditions:
Congenital stationary night blindness 1D. Also called: Night blindness, congenital stationary (complete), 1D, autosomal recessive. Identifiers: Orphanet 215, MedGen C3151193, MONDO:0013450, OMIM 613830.

Submissions (2):

SingHealth Duke-NUS Institute of Precision Medicine
Classification: Likely pathogenic for Congenital stationary night blindness 1D. Last evaluated: 2025-02-05. Review status: criteria provided, single submitter. Criteria: PRISM ACMG Classification Criteria. Collection method: clinical testing. Allele origin: germline. Affected: yes.
Comment: Variant is predicted to cause nonsense-mediated decay in a gene where LOF is a known cause of pathogenicity (PVS1). Variant is not found in gnomAD genomes, and homozygous allele count in gnomAD exomes is than 0 (PM2).

OMIM
Classification: Pathogenic for NIGHT BLINDNESS, CONGENITAL STATIONARY, TYPE 1D. Last evaluated: 2010-10-08. Review status: no assertion criteria provided. Collection method: literature only. Allele origin: germline. Not counted in ClinVar's aggregate classification.

Literature cited by the submitters: PubMed 20850105 (cited by OMIM).